The following is an entry in ClinVar:

NM_001379110.1(SLC9A6):c.652A>G (p.Ile218Val)

Gene: SLC9A6 (solute carrier family 9 member A6; plus strand). Cytogenetic location: Xq26.3.
Variant type: single nucleotide variant.
Coding change: c.652A>G on transcript NM_001379110.1 (MANE Select); coding-DNA position 652, A replaced by G.
Protein change: p.Ile218Val; replaces isoleucine 218 with valine.
Molecular consequence: missense variant.
Genome position (GRCh38, 1-based): chrX:136,002,122, A>G. VCF-style: chrX-136002122-A-G. GRCh37 (hg19) VCF-style: chrX-135084281-A-G.
Other names: c.808A>G, p.Ile270Val (NM_001042537.2); c.652A>G, p.Ile218Val (NM_001177651.2); c.556A>G, p.Ile186Val (NM_001330652.2); c.712A>G, p.Ile238Val (NM_006359.3); short protein forms I270V, I186V, I218V, I238V.
Identifiers: ClinVar variation 646158 (VCV000646158.11), dbSNP rs782677140, ClinGen allele CA10524719.

ClinVar aggregate classification (germline): Uncertain significance (1 of 4 stars; one submission).

Conditions:
Christianson syndrome (MRXSCH). Also called: SLC9A6-Related Syndromic Mental Retardation; INTELLECTUAL DEVELOPMENTAL DISORDER, X-LINKED, SYNDROMIC, CHRISTIANSON TYPE; X-linked mental retardation, syndromic, Christianson type. Identifiers: Orphanet 85278, MedGen C2678194, MONDO:0010278, OMIM 300243.

Allele frequency attached by ClinVar (database versions not stated): TOPMed below 0.00001; ExAC 0.00001; gnomAD 0.00001; gnomAD exomes 0.00002 and 0.00003.
gnomAD v4.1: 33 of 1,198,630 alleles (0.0028%); highest among the groups gnomAD compares: Non-Finnish European, 0.0036%; no homozygotes.

Submission:

Labcorp Genetics (formerly Invitae), Labcorp
Classification: Uncertain significance for Christianson syndrome. Last evaluated: 2023-06-27. Review status: criteria provided, single submitter. Criteria: Invitae Variant Classification Sherloc (09022015). Collection method: clinical testing. Allele origin: germline.
Comment: This variant is present in population databases (rs782677140, gnomAD 0.004%), including at least one homozygous and/or hemizygous individual. In summary, the available evidence is currently insufficient to determine the role of this variant in disease. Therefore, it has been classified as a Variant of Uncertain Significance. Advanced modeling of protein sequence and biophysical properties (such as structural, functional, and spatial information, amino acid conservation, physicochemical variation, residue mobility, and thermodynamic stability) performed at Invitae indicates that this missense variant is not expected to disrupt SLC9A6 protein function. ClinVar contains an entry for this variant (Variation ID: 646158). This variant has not been reported in the literature in individuals affected with SLC9A6-related conditions. This sequence change replaces isoleucine, which is neutral and non-polar, with valine, which is neutral and non-polar, at codon 238 of the SLC9A6 protein (p.Ile238Val).